The following is an entry in ClinVar:

NM_022437.3(ABCG8):c.706C>G (p.Leu236Val)

Gene: ABCG8 (ATP binding cassette subfamily G member 8; plus strand). Cytogenetic location: 2p21.
Variant type: single nucleotide variant.
Coding change: c.706C>G on transcript NM_022437.3 (MANE Select); coding-DNA position 706, C replaced by G.
Protein change: p.Leu236Val; replaces leucine 236 with valine.
Molecular consequence: missense variant.
Genome position (GRCh38, 1-based): chr2:43,852,610, C>G. VCF-style: chr2-43852610-C-G. GRCh37 (hg19) VCF-style: chr2-44079749-C-G.
Other names: c.706C>G, p.Leu236Val (NM_001357321.2); short protein forms L236V.
Identifiers: ClinVar variation 3129991 (VCV003129991.2), dbSNP rs765558392, ClinGen allele CA1637151.

ClinVar aggregate classification (germline): Uncertain significance (1 of 4 stars; one submission).

Conditions:
Cardiovascular phenotype. Identifiers: MedGen CN230736.

Allele frequency attached by ClinVar (database versions not stated): TOPMed below 0.00001; ExAC 0.00001; gnomAD 0.00001; gnomAD exomes below 0.00001.

Submission:

Ambry Genetics
Classification: Uncertain significance for Cardiovascular phenotype. Last evaluated: 2026-03-01. Review status: criteria provided, single submitter. Criteria: Ambry Variant Classification Scheme 2023. Collection method: clinical testing. Allele origin: germline.
Comment: The p.L236V variant (also known as c.706C>G), located in coding exon 6 of the ABCG8 gene, results from a C to G substitution at nucleotide position 706. The leucine at codon 236 is replaced by valine, an amino acid with highly similar properties. This amino acid position is conserved. In addition, the in silico prediction for this alteration is inconclusive. Based on the available evidence, the clinical significance of this variant remains unclear.